The following is an entry in ClinVar:

NM_006208.3(ENPP1):c.1367G>T (p.Arg456Leu)

Gene: ENPP1 (ectonucleotide pyrophosphatase/phosphodiesterase 1; plus strand). Cytogenetic location: 6q23.2.
Variant type: single nucleotide variant.
Coding change: c.1367G>T on transcript NM_006208.3 (MANE Select); coding-DNA position 1367, G replaced by T.
Protein change: p.Arg456Leu; replaces arginine 456 with leucine.
Molecular consequence: missense variant.
Genome position (GRCh38, 1-based): chr6:131,869,451, G>T. VCF-style: chr6-131869451-G-T. GRCh37 (hg19) VCF-style: chr6-132190591-G-T.
Other names: short protein forms R456L.
Identifiers: ClinVar variation 2044196 (VCV002044196.4), dbSNP rs765071179, ClinGen allele CA365675054.

ClinVar aggregate classification (germline): Uncertain significance (1 of 4 stars; one submission).

gnomAD v4.1: 1 of 1,613,148 alleles (0.000062%); highest among the groups gnomAD compares: Non-Finnish European, 0.000085%; no homozygotes.

Submission:

Labcorp Genetics (formerly Invitae), Labcorp
Classification: Uncertain significance. Last evaluated: 2022-09-06. Review status: criteria provided, single submitter. Criteria: Invitae Variant Classification Sherloc (09022015). Collection method: clinical testing. Allele origin: germline.
Comment: In summary, the available evidence is currently insufficient to determine the role of this variant in disease. Therefore, it has been classified as a Variant of Uncertain Significance. Algorithms developed to predict the effect of missense changes on protein structure and function are either unavailable or do not agree on the potential impact of this missense change (SIFT: "Deleterious"; PolyPhen-2: "Probably Damaging"; Align-GVGD: "Class C0"). This variant has not been reported in the literature in individuals affected with ENPP1-related conditions. This variant is not present in population databases (gnomAD no frequency). This sequence change replaces arginine, which is basic and polar, with leucine, which is neutral and non-polar, at codon 456 of the ENPP1 protein (p.Arg456Leu).